The following is an entry in ClinVar:

ClinVar aggregate classification (germline): Benign. Review status: criteria provided, multiple submitters, no conflicts (2 of 4 stars). 3 submissions from 3 submitters: Benign (3). Last evaluated 2024-01-24.

Allele frequency attached by ClinVar (database versions not stated): TOPMed 0.79602; ESP Exome Variant Server 0.79951; gnomAD 0.80201 and 0.81118; 1000 Genomes Project 30x 0.80559; 1000 Genomes Project 0.81250; gnomAD exomes 0.90912.
gnomAD v4.1: 1,357,515 of 1,510,660 alleles (90%); highest among the groups gnomAD compares: East Asian, 96%; 615,218 homozygotes.

Submissions (3):

Unidad de Genómica Garrahan, Hospital de Pediatría Garrahan
Classification: Benign. Last evaluated: 2024-01-24. Review status: criteria provided, single submitter. Criteria: ACMG Guidelines, 2015. Collection method: clinical testing. Allele origin: germline. Affected: no. Observed: 93 variant alleles.
Comment: This variant is classified as Benign based on local population frequency. This variant was detected in 98% of patients studied by a panel of primary immunodeficiencies. Number of patients: 93. Only high quality variants are reported.

GeneDx
Classification: Benign. Last evaluated: 2018-06-23. Review status: criteria provided, single submitter. Criteria: GeneDx Variant Classification Process June 2021. Collection method: clinical testing. Allele origin: germline. Affected: yes.

Breakthrough Genomics
Classification: Benign. Review status: criteria provided, single submitter. Criteria: ACMG Guidelines, 2015. Collection method: not provided. Allele origin: germline. Inheritance: Autosomal recessive inheritance. Affected: yes.

NM_001382567.1(STIM1):c.1138-52A>C

Gene: STIM1 (stromal interaction molecule 1; plus strand). Cytogenetic location: 11p15.4.
Variant type: single nucleotide variant.
Coding change: c.1138-52A>C on transcript NM_001382567.1 (MANE Select); 52 bases into the intron before coding-DNA position 1138, A replaced by C.
Molecular consequence: intron variant.
Genome position (GRCh38, 1-based): chr11:4,082,830, A>C. VCF-style: chr11-4082830-A-C. GRCh37 (hg19) VCF-style: chr11-4104060-A-C.
Other names: c.916-52A>C (NM_001382578.1, NM_001382575.1, NM_001382576.1 and 4 more transcripts); c.649-52A>C (NM_001382580.1, NM_001382581.1); c.1138-52A>C (NM_001382568.1, NM_001277962.2, NM_003156.4 and 1 more transcripts); c.910-52A>C (NM_001382570.1); c.1003-52A>C (NM_001382569.1); c.658-52A>C (NM_001382571.1).
Identifiers: ClinVar variation 1292243 (VCV001292243.5), dbSNP rs2898950, ClinGen allele CA13476547.